The following is an entry in ClinVar:

ClinVar aggregate classification (germline): Uncertain significance. Review status: criteria provided, multiple submitters, no conflicts (2 of 4 stars). 2 submissions from 2 submitters: Uncertain significance (2). Last evaluated 2024-06-11.

Conditions:
Inborn genetic diseases. Identifiers: MedGen C0950123, MeSH D030342.

Allele frequency attached by ClinVar (database versions not stated): gnomAD 0.00001; gnomAD exomes 0.00001 and 0.00003.
gnomAD v4.1: 11 of 1,614,044 alleles (0.00068%); highest among the groups gnomAD compares: Admixed American, 0.015%; no homozygotes.

Submissions (2):

Ambry Genetics
Classification: Uncertain significance for Inborn genetic diseases. Last evaluated: 2024-06-11. Review status: criteria provided, single submitter. Criteria: Ambry Variant Classification Scheme 2023. Collection method: clinical testing. Allele origin: germline.

Labcorp Genetics (formerly Invitae), Labcorp
Classification: Uncertain significance. Last evaluated: 2022-11-22. Review status: criteria provided, single submitter. Criteria: Invitae Variant Classification Sherloc (09022015). Collection method: clinical testing. Allele origin: germline.
Comment: ClinVar contains an entry for this variant (Variation ID: 1421387). In summary, the available evidence is currently insufficient to determine the role of this variant in disease. Therefore, it has been classified as a Variant of Uncertain Significance. Advanced modeling of protein sequence and biophysical properties (such as structural, functional, and spatial information, amino acid conservation, physicochemical variation, residue mobility, and thermodynamic stability) performed at Invitae indicates that this missense variant is not expected to disrupt PGAP2 protein function. This variant has not been reported in the literature in individuals affected with PGAP2-related conditions. This variant is present in population databases (no rsID available, gnomAD 0.02%). This sequence change replaces alanine, which is neutral and non-polar, with threonine, which is neutral and polar, at codon 126 of the PGAP2 protein (p.Ala126Thr).

NM_014489.4(PGAP2):c.559G>A (p.Ala187Thr)

Gene: PGAP2 (post-GPI attachment to proteins 2; plus strand). Cytogenetic location: 11p15.4.
Variant type: single nucleotide variant.
Coding change: c.559G>A on transcript NM_014489.4 (MANE Select); coding-DNA position 559, G replaced by A.
Protein change: p.Ala187Thr; replaces alanine 187 with threonine.
Molecular consequence: missense variant. On other transcripts: non-coding transcript variant (12), intron variant (1).
Genome position (GRCh38, 1-based): chr11:3,824,093, G>A. VCF-style: chr11-3824093-G-A. GRCh37 (hg19) VCF-style: chr11-3845323-G-A.
Other names: c.376G>A, p.Ala126Thr (NM_001145438.3, NM_001346398.2, NM_001346400.2 and 7 more transcripts); c.430G>A, p.Ala144Thr (NM_001256235.2); c.559G>A, p.Ala187Thr (NM_001256236.2, NM_001346403.1); c.386G>A, p.Arg129His (NM_001346399.2, NM_001346401.2); c.496G>A, p.Ala166Thr (NM_001346402.2); c.162-177G>A (NM_001283040.1); c.299G>A, p.Arg100His (NM_001283039.2); c.529G>A, p.Ala177Thr (NM_001346397.2); short protein forms R129H, A126T, A177T, A187T, A166T, A244T, R167H, A144T.
Identifiers: ClinVar variation 1421387 (VCV001421387.7), dbSNP rs1274907993, ClinGen allele CA379189469.